The following is an entry in ClinVar:

NM_021942.6(TRAPPC11):c.247A>G (p.Thr83Ala)

Gene: TRAPPC11 (trafficking protein particle complex subunit 11; plus strand). Cytogenetic location: 4q35.1.
Variant type: single nucleotide variant.
Coding change: c.247A>G on transcript NM_021942.6 (MANE Select); coding-DNA position 247, A replaced by G.
Protein change: p.Thr83Ala; replaces threonine 83 with alanine.
Molecular consequence: missense variant.
Genome position (GRCh38, 1-based): chr4:183,666,299, A>G. VCF-style: chr4-183666299-A-G. GRCh37 (hg19) VCF-style: chr4-184587452-A-G.
Other names: c.247A>G (NM_021942.4); c.247A>G, p.Thr83Ala (NM_199053.3); short protein forms T83A.
Identifiers: ClinVar variation 3906738 (VCV003906738.3).

ClinVar aggregate classification (germline): Uncertain significance. Review status: criteria provided, multiple submitters, no conflicts (2 of 4 stars). 3 submissions from 3 submitters: Uncertain significance (3). Last evaluated 2025-06-23.

Conditions:
Autosomal recessive limb-girdle muscular dystrophy type R18 (LGMDR18). Also called: Limb-girdle muscular dystrophy, type 2S; Autosomal recessive limb-girdle muscular dystrophy type 2S; MUSCULAR DYSTROPHY, LIMB-GIRDLE, AUTOSOMAL RECESSIVE 18. Identifiers: Orphanet 369840, MedGen C4517996, MONDO:0014144, OMIM 615356.
Inborn genetic diseases. Identifiers: MedGen C0950123, MeSH D030342.

gnomAD v4.1: 37 of 1,614,070 alleles (0.0023%); highest among the groups gnomAD compares: Non-Finnish European, 0.0031%; no homozygotes.

Submissions (3):

Revvity Omics, Revvity
Classification: Uncertain significance for Autosomal recessive limb-girdle muscular dystrophy type R18. Last evaluated: 2025-06-23. Review status: criteria provided, single submitter. Criteria: ACMG Guidelines, 2015. Collection method: clinical testing. Allele origin: germline.

Ambry Genetics
Classification: Uncertain significance for Inborn genetic diseases. Last evaluated: 2025-04-14. Review status: criteria provided, single submitter. Criteria: Ambry Variant Classification Scheme 2023. Collection method: clinical testing. Allele origin: germline.

GeneDx
Classification: Uncertain significance. Last evaluated: 2024-12-19. Review status: criteria provided, single submitter. Criteria: GeneDx Variant Classification Process June 2021. Collection method: clinical testing. Allele origin: germline. Affected: yes.
Comment: Not observed at significant frequency in large population cohorts (gnomAD); In silico analysis indicates that this missense variant does not alter protein structure/function; Has not been previously published as pathogenic or benign to our knowledge